The following is an entry in ClinVar:

NM_001267550.2(TTN):c.39211+8C>A

Gene: TTN (titin; minus strand). Cytogenetic location: 2q31.2.
Variant type: single nucleotide variant.
Coding change: c.39211+8C>A on transcript NM_001267550.2 (MANE Select); 8 bases into the intron after coding-DNA position 39211, C replaced by A.
Molecular consequence: intron variant.
Genome position (GRCh38, 1-based): chr2:178,652,256, G>T on the plus strand (C>A on the coding strand, the complement: TTN is on the minus strand). VCF-style: chr2-178652256-G-T. GRCh37 (hg19) VCF-style: chr2-179516983-G-T.
Other names: c.13283-9939C>A (NM_003319.4); c.13859-9939C>A (NM_133437.4); c.13658-9939C>A (NM_133432.3); c.31909+8C>A (NM_133378.4); c.34690+8C>A (NM_001256850.1).
Identifiers: ClinVar variation 3051997 (VCV003051997.2), dbSNP rs778828307, ClinGen allele CA2662138201.

ClinVar aggregate classification (germline): Likely benign (0 of 4 stars; one submission).

Conditions:
TTN-related disorder. Also called: TTN-related condition; TTN-related disease; TTN-related disorders.

gnomAD v4.1: 1 of 1,613,468 alleles (0.000062%); highest among the groups gnomAD compares: Non-Finnish European, 0.000085%; no homozygotes.

Submission:

PreventionGenetics, part of Exact Sciences
Classification: Likely benign for TTN-related condition. Last evaluated: 2022-04-13. Review status: no assertion criteria provided. Collection method: clinical testing. Allele origin: germline.
Comment: This variant is classified as likely benign based on ACMG/AMP sequence variant interpretation guidelines (Richards et al. 2015 PMID: 25741868, with internal and published modifications).